The following is an entry in ClinVar:

ClinVar aggregate classification (germline): Uncertain significance (1 of 4 stars; one submission).

Allele frequency attached by ClinVar (database versions not stated): TOPMed 0.00001; gnomAD 0.00002; gnomAD exomes 0.00003 and 0.00004.
gnomAD v4.1: 63 of 1,551,330 alleles (0.0041%); highest among the groups gnomAD compares: East Asian, 0.0049%; no homozygotes.

Submission:

GeneDx
Classification: Uncertain significance. Last evaluated: 2019-05-14. Review status: criteria provided, single submitter. Criteria: GeneDx Variant Classification Process June 2021. Collection method: clinical testing. Allele origin: germline. Affected: yes.
Comment: Has not been previously published as pathogenic or benign to our knowledge

NM_001145026.2(PTPRQ):c.1125G>A (p.Ala375=)

Gene: PTPRQ (protein tyrosine phosphatase receptor type Q; plus strand). Cytogenetic location: 12q21.31.
Variant type: single nucleotide variant.
Coding change: c.1125G>A on transcript NM_001145026.2 (MANE Select); coding-DNA position 1125, G replaced by A.
Protein change: p.Ala375=; no amino-acid change (alanine 375 retained).
Molecular consequence: synonymous variant.
Genome position (GRCh38, 1-based): chr12:80,472,190, G>A. VCF-style: chr12-80472190-G-A. GRCh37 (hg19) VCF-style: chr12-80865969-G-A.
Identifiers: ClinVar variation 1305831 (VCV001305831.2), dbSNP rs1358075357, ClinGen allele CA480814752.
Genomic context (GRCh38, chr12:80,472,190, plus strand): 5'-AGACCTCAAGTTTGCATTCACTAACCTAACACCATTTACAATGTATGATGTCTATATTGC[G>A]GCTGAAACCAGTGCAGGGACTGGGCCCAAGTCAAATATTTCAGTATTCACTCCACCAGAT-3'
Protein context (NP_001138498.1, residues 365-385): TPFTMYDVYI[Ala375=]AETSAGTGPK